The following is an entry in ClinVar:

NM_000218.3(KCNQ1):c.1393+34768A>G

Genes: KCNQ1 (potassium voltage-gated channel subfamily Q member 1; plus strand), KCNQ1OT1 (KCNQ1 opposite strand/antisense transcript 1; minus strand). Cytogenetic location: 11p15.5.
Variant type: single nucleotide variant.
Coding change: c.1393+34768A>G on transcript NM_000218.3 (MANE Select); 34768 bases into the intron after coding-DNA position 1393, A replaced by G.
Molecular consequence: intron variant. On other transcripts: non-coding transcript variant (1).
Genome position (GRCh38, 1-based): chr11:2,623,622, A>G. VCF-style: chr11-2623622-A-G. GRCh37 (hg19) VCF-style: chr11-2644852-A-G.
Other names: c.1123+34768A>G (NM_001406837.1); c.1297+34768A>G (NM_001406836.1); c.853+34768A>G (NM_001406838.1); c.1012+34768A>G (NM_181798.2).
Identifiers: ClinVar variation 2641390 (VCV002641390.24), dbSNP rs111814432, ClinGen allele CA216363592.

ClinVar aggregate classification (germline): Benign (1 of 4 stars; one submission).

Allele frequency attached by ClinVar (database versions not stated): gnomAD exomes 0.00040; 1000 Genomes Project 0.00280; 1000 Genomes Project 30x 0.00297; TOPMed 0.00405; gnomAD 0.00411.
gnomAD v4.1: 719 of 398,574 alleles (0.18%); highest among the groups gnomAD compares: African/African-American, 1.4%; 5 homozygotes.

Submission:

CeGaT Center for Human Genetics Tuebingen
Classification: Benign. Last evaluated: 2026-06-01. Review status: criteria provided, single submitter. Criteria: CeGaT Center For Human Genetics Tuebingen Variant Classification Criteria Version 2. Collection method: clinical testing. Allele origin: germline. Affected: yes. Observed: 2 variant alleles.
Comment: KCNQ1: BS1, BS2; KCNQ1OT1: BS1, BS2